The following is an entry in ClinVar:

NM_022051.3(EGLN1):c.15CGGCGGGCC[3] (p.Pro11_Ser12insGlyGlyPro)

Gene: EGLN1 (egl-9 family hypoxia inducible factor 1; minus strand). Cytogenetic location: 1q42.2.
Variant type: Microsatellite.
Coding change: c.15CGGCGGGCC[3] on transcript NM_022051.3 (MANE Select); three copies in a row of the 9-base unit CGGCGGGCC starting at c.15; the reference has two copies in a row; one copy, 9 bases duplicated; also written c.24_32dup.
Protein change: p.Pro11_Ser12insGlyGlyPro.
Molecular consequence: inframe insertion.
Genome position (GRCh38, 1-based): chr1:231,421,857-231,421,865, GGCCCGCCG duplicated on the plus strand (CGGCGGGCC on the coding strand, the reverse complement: EGLN1 is on the minus strand); duplicating any 9 consecutive bases within chr1:231,421,857-231,421,874 gives the same sequence; the position shown is the placement nearest the transcript's 3' end. VCF-style (leftmost placement, unchanged base first): chr1-231421856-C-CGGCCCGCCG. GRCh37 (hg19) VCF-style: chr1-231557602-C-CGGCCCGCCG.
Other names: c.24_32dup (NM_022051.3); c.15CGGCGGGCC[3], p.Pro11_Ser12insGlyGlyPro (NM_001377260.1, NM_001377261.1).
Identifiers: ClinVar variation 2906788 (VCV002906788.6), dbSNP rs996072419, ClinGen allele CA38949129.

ClinVar aggregate classification (germline): Uncertain significance. Review status: criteria provided, multiple submitters, no conflicts (2 of 4 stars). 3 submissions from 3 submitters: Uncertain significance (3). Last evaluated 2025-12-28.

Conditions:
Erythrocytosis, familial, 3 (ECYT3). Identifiers: Orphanet 247511, MedGen C1853286, MONDO:0012353, OMIM 609820.

Submissions (3):

Labcorp Genetics (formerly Invitae), Labcorp
Classification: Uncertain significance for Erythrocytosis, familial, 3. Last evaluated: 2025-12-28. Review status: criteria provided, single submitter. Criteria: Invitae Variant Classification Sherloc (09022015). Collection method: clinical testing. Allele origin: germline.
Comment: This variant, c.24_32dup, results in the insertion of 3 amino acid(s) of the EGLN1 protein (p.Gly9_Pro11dup), but otherwise preserves the integrity of the reading frame. This variant is present in population databases (no rsID available, gnomAD 0.03%). This variant has not been reported in the literature in individuals affected with EGLN1-related conditions. In summary, the available evidence is currently insufficient to determine the role of this variant in disease. Therefore, it has been classified as a Variant of Uncertain Significance.

Dasa
Classification: Uncertain significance. Last evaluated: 2025-05-27. Review status: criteria provided, single submitter. Criteria: DASA Assertion Criteria. Collection method: clinical testing. Allele origin: germline.
Comment: NM_022051.3(EGLN1):c.24_32dup (p.Gly9_Pro11dup) is an in-frame duplication predicted to duplicate amino acids from glycine at protein position 9 through proline at protein position 11 without shifting the reading frame. This variant is rare in population databases. The currently available literature and clinical evidence are not sufficient to establish a definitive association between this variant and the reported condition. Therefore, this variant is classified as a variant of uncertain significance.

Ambry Genetics
Classification: Uncertain significance. Last evaluated: 2025-02-18. Review status: criteria provided, single submitter. Criteria: Ambry Variant Classification Scheme 2023. Collection method: clinical testing. Allele origin: germline.
Comment: The c.24_32dupCGGCGGGCC variant (also known as p.G9_P11dup), located in coding exon 1 of the EGLN1 gene, results from an in-frame duplication of CGGCGGGCC at nucleotide positions 24 to 32. This results in the duplication of 3 extra residues (GGP) between codons 9 and 11. This amino acid position is not well conserved in available vertebrate species. In addition, this alteration is predicted to be deleterious by in silico analysis (Choi Y et al. PLoS ONE. 2012; 7(10):e46688). The evidence for this gene-disease relationship is limited; therefore, the clinical significance of this alteration is unclear.